The following is an entry in ClinVar:

ClinVar aggregate classification (germline): Pathogenic. Review status: criteria provided, multiple submitters, no conflicts (2 of 4 stars). 2 submissions from 2 submitters: Pathogenic (2). Last evaluated 2024-09-16.

Conditions:
USH2A-related disorder. Also called: USH2A-related condition; USH2A-related disorders. Identifiers: MedGen CN239332.

Allele frequency attached by ClinVar (database versions not stated): TOPMed below 0.00001.

Submissions (2):

Myriad Genetics, Inc.
Classification: Pathogenic for USH2A-related disorder. Last evaluated: 2024-09-16. Review status: criteria provided, single submitter. Criteria: Myriad Autosomal Dominant, Autosomal Recessive and X-Linked Classification Criteria (2023). Collection method: clinical testing. Allele origin: unknown.
Comment: NM_206933.2(USH2A):c.11756C>G(S3919*) is expected to be pathogenic in the context of USH2A-related disorders. This variant is predicted to lead to an abnormal or absent protein product due to the creation of a premature termination codon in USH2A, a gene where loss-of-function variants are known to be pathogenic. Please note: this variant was assessed in the context of healthy population screening.

Labcorp Genetics (formerly Invitae), Labcorp
Classification: Pathogenic. Last evaluated: 2022-06-10. Review status: criteria provided, single submitter. Criteria: Invitae Variant Classification Sherloc (09022015). Collection method: clinical testing. Allele origin: germline.
Comment: This sequence change creates a premature translational stop signal (p.Ser3919*) in the USH2A gene. It is expected to result in an absent or disrupted protein product. Loss-of-function variants in USH2A are known to be pathogenic (PMID: 10729113, 10909849, 20507924, 25649381). This variant is not present in population databases (gnomAD no frequency). This variant has not been reported in the literature in individuals affected with USH2A-related conditions. For these reasons, this variant has been classified as Pathogenic.

Literature cited by the submitters: PubMed 10729113 (cited by Labcorp Genetics (formerly Invitae), Labcorp); PubMed 10909849 (cited by Labcorp Genetics (formerly Invitae), Labcorp); PubMed 20507924 (cited by Labcorp Genetics (formerly Invitae), Labcorp); PubMed 25649381 (cited by Labcorp Genetics (formerly Invitae), Labcorp).

NM_206933.4(USH2A):c.11756C>G (p.Ser3919Ter)

Gene: USH2A (usherin; minus strand). Cytogenetic location: 1q41.
Variant type: single nucleotide variant.
Coding change: c.11756C>G on transcript NM_206933.4 (MANE Select); coding-DNA position 11756, C replaced by G.
Protein change: p.Ser3919Ter; replaces serine 3919 with a stop codon.
Molecular consequence: nonsense.
Genome position (GRCh38, 1-based): chr1:215,728,340, G>C on the plus strand (C>G on the coding strand, the complement: USH2A is on the minus strand). VCF-style: chr1-215728340-G-C. GRCh37 (hg19) VCF-style: chr1-215901682-G-C.
Other names: short protein forms S3919*.
Identifiers: ClinVar variation 2004472 (VCV002004472.5), dbSNP rs1157732943, ClinGen allele CA344829626.